The following is an entry in ClinVar:

NM_052845.4(MMAB):c.571C>G (p.Arg191Gly)

Gene: MMAB (metabolism of cobalamin associated B; minus strand). Cytogenetic location: 12q24.11.
Variant type: single nucleotide variant.
Coding change: c.571C>G on transcript NM_052845.4 (MANE Select); coding-DNA position 571, C replaced by G.
Protein change: p.Arg191Gly; replaces arginine 191 with glycine.
Molecular consequence: missense variant. On other transcripts: non-coding transcript variant (1).
Genome position (GRCh38, 1-based): chr12:109,561,053, G>C on the plus strand (C>G on the coding strand, the complement: MMAB is on the minus strand). VCF-style: chr12-109561053-G-C. GRCh37 (hg19) VCF-style: chr12-109998858-G-C.
Other names: short protein forms R191G.
Identifiers: ClinVar variation 2683750 (VCV002683750.3), dbSNP rs376128990, ClinGen allele CA386636840.

ClinVar aggregate classification (germline): Likely pathogenic. Review status: criteria provided, multiple submitters, no conflicts (2 of 4 stars). 2 submissions from 2 submitters: Likely pathogenic (2). Last evaluated 2025-08-11.

Conditions:
Methylmalonic aciduria, cblB type (MACB). Also called: Vitamin B12-responsive methylmalonic acidemia type cblB; Methylmalonic acidemia cblB type; METHYLMALONIC ACIDURIA, VITAMIN B12-RESPONSIVE, DUE TO DEFECT IN SYNTHESIS OF ADENOSYLCOBALAMIN, cblB TYPE. Identifiers: Orphanet 28, Orphanet 79311, MedGen C1855102, MONDO:0009614, OMIM 251110.

Submissions (2):

Myriad Genetics, Inc.
Classification: Likely pathogenic for Methylmalonic aciduria, cblB type. Last evaluated: 2025-08-11. Review status: criteria provided, single submitter. Criteria: Myriad Autosomal Dominant, Autosomal Recessive and X-Linked Classification Criteria (2023). Collection method: clinical testing. Allele origin: unknown.
Comment: NM_052845.3(MMAB):c.571C>G(R191G) is a missense variant classified as likely pathogenic in the context of methylmalonic acidemia, cblB type. R191G has been observed in a case with relevant disease (PMID: 39494389). Relevant functional assessments of this variant are not available in the literature. R191G has not been observed in referenced population frequency databases. In summary, NM_052845.3(MMAB):c.571C>G(R191G) is a missense variant that has internal structural support for pathogenicity and has been observed more frequently in cases with the relevant disease than in healthy populations. Please note: this variant was assessed in the context of healthy population screening.

Kasturba Medical College, Manipal, Kasturba Medical College, Manipal, Manipal Academy of Higher Education, Manipal, India
Classification: Likely pathogenic for Methylmalonic aciduria, cblB type. Review status: criteria provided, single submitter. Criteria: ACMG Guidelines, 2015. Collection method: clinical testing. Allele origin: biparental. Inheritance: Autosomal recessive inheritance. Affected: yes. Observed: 1 homozygote.

Literature cited by the submitters: PubMed 39494389 (cited by Myriad Genetics, Inc.).